The following is an entry in ClinVar:

ClinVar aggregate classification (germline): Uncertain significance (1 of 4 stars; one submission).

gnomAD v4.1: 12 of 1,610,046 alleles (0.00075%); highest among the groups gnomAD compares: Admixed American, 0.02%; no homozygotes.

Submission:

Ambry Genetics
Classification: Uncertain significance. Last evaluated: 2025-11-26. Review status: criteria provided, single submitter. Criteria: Ambry Variant Classification Scheme 2023. Collection method: clinical testing. Allele origin: germline.
Comment: The c.772G>A (p.E258K) alteration is located in exon 3 (coding exon 2) of the KIF24 gene. This alteration results from a G to A substitution at nucleotide position 772, causing the glutamic acid (E) at amino acid position 258 to be replaced by a lysine (K). Based on data from gnomAD, the A allele has an overall frequency of 0.004% (11/279022) total alleles studied. The highest observed frequency was 0.032% (11/34968) of Latino alleles. Based on insufficient or conflicting evidence, the clinical significance of this alteration remains unclear.

NM_194313.4(KIF24):c.772G>A (p.Glu258Lys)

Gene: KIF24 (kinesin family member 24; minus strand). Cytogenetic location: 9p13.3.
Variant type: single nucleotide variant.
Coding change: c.772G>A on transcript NM_194313.4 (MANE Select); coding-DNA position 772, G replaced by A.
Protein change: p.Glu258Lys; replaces glutamic acid 258 with lysine.
Molecular consequence: missense variant.
Genome position (GRCh38, 1-based): chr9:34,306,293, C>T on the plus strand (G>A on the coding strand, the complement: KIF24 is on the minus strand). VCF-style: chr9-34306293-C-T. GRCh37 (hg19) VCF-style: chr9-34306291-C-T.
Other names: short protein forms E258K.
Identifiers: ClinVar variation 4543795 (VCV004543795.1).